The following is an entry in ClinVar:

ClinVar aggregate classification (germline): Uncertain significance (1 of 4 stars; one submission).

Conditions:
Progressive myoclonic epilepsy. Also called: Myoclonus epilepsy; Progressive myoclonus epilepsy; Familial progressive myoclonic epilepsy; Myoclonic Epilepsies, Progressive. Identifiers: Orphanet 308, Orphanet 98261, MedGen C0751778, MONDO:0020074.

Submission:

Labcorp Genetics (formerly Invitae), Labcorp
Classification: Uncertain significance for Progressive myoclonic epilepsy. Last evaluated: 2023-03-23. Review status: criteria provided, single submitter. Criteria: Invitae Variant Classification Sherloc (09022015). Collection method: clinical testing. Allele origin: germline.
Comment: This sequence change replaces alanine, which is neutral and non-polar, with valine, which is neutral and non-polar, at codon 333 of the SCARB2 protein (p.Ala333Val). In summary, the available evidence is currently insufficient to determine the role of this variant in disease. Therefore, it has been classified as a Variant of Uncertain Significance. Advanced modeling of protein sequence and biophysical properties (such as structural, functional, and spatial information, amino acid conservation, physicochemical variation, residue mobility, and thermodynamic stability) performed at Invitae indicates that this missense variant is not expected to disrupt SCARB2 protein function. ClinVar contains an entry for this variant (Variation ID: 1499418). This variant has not been reported in the literature in individuals affected with SCARB2-related conditions. This variant is not present in population databases (gnomAD no frequency).

NM_005506.4(SCARB2):c.998C>T (p.Ala333Val)

Gene: SCARB2 (scavenger receptor class B member 2; minus strand). Cytogenetic location: 4q21.1.
Variant type: single nucleotide variant.
Coding change: c.998C>T on transcript NM_005506.4 (MANE Select); coding-DNA position 998, C replaced by T.
Protein change: p.Ala333Val; replaces alanine 333 with valine.
Molecular consequence: missense variant.
Genome position (GRCh38, 1-based): chr4:76,169,982, G>A on the plus strand (C>T on the coding strand, the complement: SCARB2 is on the minus strand). VCF-style: chr4-76169982-G-A. GRCh37 (hg19) VCF-style: chr4-77091135-G-A.
Other names: c.569C>T, p.Ala190Val (NM_001204255.2); short protein forms A190V, A333V.
Identifiers: ClinVar variation 1499418 (VCV001499418.6), dbSNP rs2109937871, ClinGen allele CA357314884.
Genomic context (GRCh38, chr4:76,169,982, plus strand): 5'-ATGGCAGAAACAAACCTCTCATCTGCTTGGTAAAAGTGTGGGAAAGACATAATGATGGGT[G>A]CACCTGCATTTGAAGGAAAACAGAAATGAATGATGCTGTTTTTAAAATCTAAGCTGAGCT-3'
Protein context (NP_005497.1, residues 323-343): VLNVSICKNG[Ala333Val]PIIMSFPHFY